The following is an entry in ClinVar:

ClinVar aggregate classification (germline): Likely benign (1 of 4 stars; one submission).

Submission:

CeGaT Center for Human Genetics Tuebingen
Classification: Likely benign. Last evaluated: 2026-02-01. Review status: criteria provided, single submitter. Criteria: CeGaT Center For Human Genetics Tuebingen Variant Classification Criteria Version 2. Collection method: clinical testing. Allele origin: germline. Affected: yes. Observed: 1 variant allele.
Comment: PLIN4: BP4, BP7

NM_001367868.2(PLIN4):c.2574A>G (p.Ala858=)

Gene: PLIN4 (perilipin 4; minus strand). Cytogenetic location: 19p13.3.
Variant type: single nucleotide variant.
Coding change: c.2574A>G on transcript NM_001367868.2 (MANE Select); coding-DNA position 2574, A replaced by G.
Protein change: p.Ala858=; no amino-acid change (alanine 858 retained).
Molecular consequence: synonymous variant.
Genome position (GRCh38, 1-based): chr19:4,511,386, T>C on the plus strand (A>G on the coding strand, the complement: PLIN4 is on the minus strand). VCF-style: chr19-4511386-T-C. GRCh37 (hg19) VCF-style: chr19-4511398-T-C.
Other names: c.2577A>G, p.Ala859= (NM_001393888.1, NM_001393889.1); c.2574A>G, p.Ala858= (NM_001393890.1, NM_001393891.1).
Identifiers: ClinVar variation 4821456 (VCV004821456.4).